The following is an entry in ClinVar:

NM_001329943.3(KIAA0586):c.2024G>A (p.Arg675Lys)

Gene: KIAA0586 (KIAA0586; plus strand). Cytogenetic location: 14q23.1.
Variant type: single nucleotide variant.
Coding change: c.2024G>A on transcript NM_001329943.3 (MANE Select); coding-DNA position 2024, G replaced by A.
Protein change: p.Arg675Lys; replaces arginine 675 with lysine.
Molecular consequence: missense variant.
Genome position (GRCh38, 1-based): chr14:58,461,125, G>A. VCF-style: chr14-58461125-G-A. GRCh37 (hg19) VCF-style: chr14-58927843-G-A.
Other names: c.2183G>A, p.Arg728Lys (NM_001244189.2); c.1979G>A, p.Arg660Lys (NM_001244190.2); c.1769G>A, p.Arg590Lys (NM_001244191.2, NM_001329945.2, NM_001364700.1 and 1 more transcripts); c.1892G>A, p.Arg631Lys (NM_001244192.2); c.1604G>A, p.Arg535Lys (NM_001244193.2); c.2024G>A, p.Arg675Lys (NM_001329944.2, NM_001329946.2, NM_001329947.2); c.1796G>A, p.Arg599Lys (NM_014749.5); short protein forms R590K, R660K, R728K, R535K, R599K, R631K, R675K.
Identifiers: ClinVar variation 2057802 (VCV002057802.10), dbSNP rs781781806, ClinGen allele CA7205756.

ClinVar aggregate classification (germline): Uncertain significance. Review status: criteria provided, multiple submitters, no conflicts (2 of 4 stars). 2 submissions from 2 submitters: Uncertain significance (2). Last evaluated 2025-06-01.

Conditions:
Joubert syndrome 23 (JBTS23). Identifiers: Orphanet 475, MedGen C4084822, MONDO:0014664, OMIM 616490.
Short-rib thoracic dysplasia 14 with polydactyly (SRTD14). Identifiers: Orphanet 397715, MedGen C4225286, MONDO:0014688, OMIM 616546.

Allele frequency attached by ClinVar (database versions not stated): gnomAD exomes 0.00002; TOPMed 0.00003; ExAC 0.00004; gnomAD 0.00004.
gnomAD v4.1: 34 of 1,596,310 alleles (0.0021%); highest among the groups gnomAD compares: Non-Finnish European, 0.0022%; no homozygotes.

Submissions (2):

CeGaT Center for Human Genetics Tuebingen
Classification: Uncertain significance. Last evaluated: 2025-06-01. Review status: criteria provided, single submitter. Criteria: CeGaT Center For Human Genetics Tuebingen Variant Classification Criteria Version 2. Collection method: clinical testing. Allele origin: germline. Affected: yes. Observed: 1 variant allele.
Comment: KIAA0586: PM2, BP4

Labcorp Genetics (formerly Invitae), Labcorp
Classification: Uncertain significance for Joubert syndrome 23; Short-rib thoracic dysplasia 14 with polydactyly. Last evaluated: 2022-08-20. Review status: criteria provided, single submitter. Criteria: Invitae Variant Classification Sherloc (09022015). Collection method: clinical testing. Allele origin: germline.
Comment: This sequence change replaces arginine, which is basic and polar, with lysine, which is basic and polar, at codon 728 of the KIAA0586 protein (p.Arg728Lys). This variant is present in population databases (rs781781806, gnomAD 0.01%). This variant has not been reported in the literature in individuals affected with KIAA0586-related conditions. Algorithms developed to predict the effect of missense changes on protein structure and function output the following: SIFT: "Tolerated"; PolyPhen-2: "Benign"; Align-GVGD: "Class C0". The lysine amino acid residue is found in multiple mammalian species, which suggests that this missense change does not adversely affect protein function. In summary, the available evidence is currently insufficient to determine the role of this variant in disease. Therefore, it has been classified as a Variant of Uncertain Significance.